The following is an entry in ClinVar:

NM_079420.3(MYL1):c.-1_1dup (p.Met1fs)

Gene: MYL1 (myosin light chain 1; minus strand). Cytogenetic location: 2q34.
Variant type: Duplication.
Coding change: c.-1_1dup on transcript NM_079420.3 (MANE Select); 1 bases upstream of the start codon through coding-DNA position 1, 2 bases duplicated (AA; older notation c.-1_1dupAA).
Protein change: p.Met1fs; shifts the reading frame from methionine 1.
Molecular consequence: frameshift variant, initiator codon variant.
Genome position (GRCh38, 1-based): chr2:210,315,042-210,315,043, TT duplicated on the plus strand (AA on the coding strand, the reverse complement: MYL1 is on the minus strand); duplicating any 2 consecutive bases within chr2:210,315,042-210,315,052 gives the same sequence; the c. name uses the placement nearest the transcript's 3' end. VCF-style (leftmost placement, unchanged base first): chr2-210315041-A-ATT. GRCh37 (hg19) VCF-style: chr2-211179765-A-ATT.
Other names: short protein forms M1fs.
Identifiers: ClinVar variation 3041554 (VCV003041554.2), dbSNP rs544557603, ClinGen allele CA2085417.
Genomic context (GRCh38, chr2:210,315,041, plus strand): 5'-GCCGGGGCTGGGGCAGCCGCAGCCGCAGCCACAGGTTTCTTCACGTCTTTCTTTGGTGCC[A>ATT]TTTTTTTTTTTAAAAGGGTGGGTTAAAAAGAGAAGGAGTTCCTCCAAAAGAACCTGTCAA-3'

ClinVar aggregate classification (germline): Likely benign (0 of 4 stars; one submission).

Conditions:
MYL1-related disorder. Also called: MYL1-related condition.

Submission:

PreventionGenetics, part of Exact Sciences
Classification: Likely benign for MYL1-related condition. Last evaluated: 2019-11-27. Review status: no assertion criteria provided. Collection method: clinical testing. Allele origin: germline.
Comment: This variant is classified as likely benign based on ACMG/AMP sequence variant interpretation guidelines (Richards et al. 2015 PMID: 25741868, with internal and published modifications).